The following is an entry in ClinVar:

ClinVar aggregate classification (germline): Uncertain significance (1 of 4 stars; one submission).

Submission:

Labcorp Genetics (formerly Invitae), Labcorp
Classification: Uncertain significance. Last evaluated: 2025-08-01. Review status: criteria provided, single submitter. Criteria: Invitae Variant Classification Sherloc (09022015). Collection method: clinical testing. Allele origin: germline.
Comment: This sequence change replaces glutamic acid, which is acidic and polar, with aspartic acid, which is acidic and polar, at codon 712 of the LZTR1 protein (p.Glu712Asp). This variant is not present in population databases (gnomAD no frequency). This variant has not been reported in the literature in individuals affected with LZTR1-related conditions. Invitae Evidence Modeling of protein sequence and biophysical properties (such as structural, functional, and spatial information, amino acid conservation, physicochemical variation, residue mobility, and thermodynamic stability) indicates that this missense variant is not expected to disrupt LZTR1 protein function with a negative predictive value of 80%. In summary, the available evidence is currently insufficient to determine the role of this variant in disease. Therefore, it has been classified as a Variant of Uncertain Significance.

NM_006767.4(LZTR1):c.2136G>C (p.Glu712Asp)

Gene: LZTR1 (leucine zipper like post translational regulator 1; plus strand). Cytogenetic location: 22q11.21.
Variant type: single nucleotide variant.
Coding change: c.2136G>C on transcript NM_006767.4 (MANE Select); coding-DNA position 2136, G replaced by C.
Protein change: p.Glu712Asp; replaces glutamic acid 712 with aspartic acid.
Molecular consequence: missense variant.
Genome position (GRCh38, 1-based): chr22:20,996,029, G>C. VCF-style: chr22-20996029-G-C. GRCh37 (hg19) VCF-style: chr22-21350318-G-C.
Other names: short protein forms E712D.
Identifiers: ClinVar variation 4798089 (VCV004798089.1).